The following is an entry in ClinVar:

ClinVar aggregate classification (germline): Benign (0 of 4 stars; one submission).

Conditions:
STOX1-related disorder. Also called: STOX1-related condition.

Allele frequency attached by ClinVar (database versions not stated): 1000 Genomes Project 0.08806; 1000 Genomes Project 30x 0.08854; ESP Exome Variant Server 0.09052; TOPMed 0.10230; gnomAD 0.10527; gnomAD exomes 0.12669; ExAC 0.13020.

Submission:

PreventionGenetics, part of Exact Sciences
Classification: Benign for STOX1-related condition. Last evaluated: 2019-11-18. Review status: no assertion criteria provided. Collection method: clinical testing. Allele origin: germline.
Comment: This variant is classified as benign based on ACMG/AMP sequence variant interpretation guidelines (Richards et al. 2015 PMID: 25741868, with internal and published modifications).

NM_152709.5(STOX1):c.2145C>T (p.Asn715=)

Gene: STOX1 (storkhead box 1; plus strand). Cytogenetic location: 10q22.1.
Variant type: single nucleotide variant.
Coding change: c.2145C>T on transcript NM_152709.5 (MANE Select); coding-DNA position 2145, C replaced by T.
Protein change: p.Asn715=; no amino-acid change (asparagine 715 retained).
Molecular consequence: synonymous variant. On other transcripts: intron variant (2).
Genome position (GRCh38, 1-based): chr10:68,885,941, C>T. VCF-style: chr10-68885941-C-T. GRCh37 (hg19) VCF-style: chr10-70645697-C-T.
Other names: c.2145C>T, p.Asn715= (NM_001130161.4); c.663+1482C>T (NM_001130159.3); c.463+3831C>T (NM_001130160.3).
Identifiers: ClinVar variation 3058866 (VCV003058866.2), dbSNP rs10509306, ClinGen allele CA5528296.